The following is an entry in ClinVar:

ClinVar aggregate classification (germline): Uncertain significance. Review status: criteria provided, multiple submitters, no conflicts (2 of 4 stars). 2 submissions from 2 submitters: Uncertain significance (2). Last evaluated 2024-03-07.

Conditions:
Hereditary cancer-predisposing syndrome. Also called: Tumor predisposition; Hereditary neoplastic syndrome; Hereditary Cancer Syndrome; Neoplastic Syndromes, Hereditary. Identifiers: Orphanet 140162, MedGen C0027672, MeSH D009386, MONDO:0015356.
Familial cancer of breast. Also called: hereditary breast carcinoma; Hereditary breast cancer; BREAST CANCER, FAMILIAL. Identifiers: Orphanet 227535, MedGen C0346153, MONDO:0016419, OMIM 114480. Disease mechanism: loss of function.

Submissions (2):

Color Diagnostics, LLC DBA Color Health
Classification: Uncertain significance for Hereditary cancer-predisposing syndrome. Last evaluated: 2024-03-07. Review status: criteria provided, single submitter. Criteria: ACMG Guidelines, 2015. Collection method: clinical testing. Allele origin: germline.
Comment: This missense variant replaces cysteine with arginine at codon 1900 of the ATM protein. Computational prediction suggests that this variant may not impact protein structure and function (internally defined REVEL score threshold <= 0.5, PMID: 27666373). To our knowledge, functional studies have not been reported for this variant. This variant has not been reported in individuals affected with hereditary cancer in the literature. This variant has not been identified in the general population by the Genome Aggregation Database (gnomAD). The available evidence is insufficient to determine the role of this variant in disease conclusively. Therefore, this variant is classified as a Variant of Uncertain Significance.

Baylor Genetics
Classification: Uncertain significance for Familial cancer of breast. Last evaluated: 2024-02-28. Review status: criteria provided, single submitter. Criteria: ACMG Guidelines, 2015. Collection method: clinical testing. Allele origin: unknown.

NM_000051.4(ATM):c.5698T>C (p.Cys1900Arg)

Gene: ATM (ATM serine/threonine kinase; plus strand). Cytogenetic location: 11q22.3.
Variant type: single nucleotide variant.
Coding change: c.5698T>C on transcript NM_000051.4 (MANE Select); coding-DNA position 5698, T replaced by C.
Protein change: p.Cys1900Arg; replaces cysteine 1900 with arginine.
Molecular consequence: missense variant.
Genome position (GRCh38, 1-based): chr11:108,307,920, T>C. VCF-style: chr11-108307920-T-C. GRCh37 (hg19) VCF-style: chr11-108178647-T-C.
Other names: c.5698T>C, p.Cys1900Arg (NM_001351834.2); short protein forms C1900R.
Identifiers: ClinVar variation 1171852 (VCV001171852.4), dbSNP rs2083817433, ClinGen allele CA382547814.
Genomic context (GRCh38, chr11:108,307,920, plus strand): 5'-ATGCCTGGGACTGAGGGGAGATATTTTTGTTTGTCAGAGTCAGAGCACTTTTTCCGATGC[T>C]GTTTGGATAAAAAATCACAAAGAACAATGCTTGCTGTTGTGGACTACATGAGAAGACAAA-3'
Protein context (NP_000042.3, residues 1890-1910): DSESEHFFRC[Cys1900Arg]LDKKSQRTML